The following is an entry in ClinVar:

ClinVar aggregate classification (germline): Uncertain significance (1 of 4 stars; one submission).

Conditions:
Long QT syndrome (LQTS). Identifiers: MedGen C0023976, MeSH D008133, MONDO:0002442. Disease mechanism: loss of function. Inheritance: Various modes of inheritance.

Allele frequency attached by ClinVar (database versions not stated): TOPMed below 0.00001.

Submission:

Labcorp Genetics (formerly Invitae), Labcorp
Classification: Uncertain significance for Long QT syndrome. Last evaluated: 2025-12-09. Review status: criteria provided, single submitter. Criteria: Invitae Variant Classification Sherloc (09022015). Collection method: clinical testing. Allele origin: germline.
Comment: This sequence change replaces glutamine, which is neutral and polar, with arginine, which is basic and polar, at codon 615 of the KCNQ1 protein (p.Gln615Arg). This variant is not present in population databases (gnomAD no frequency). This variant has not been reported in the literature in individuals affected with KCNQ1-related conditions. ClinVar contains an entry for this variant (Variation ID: 1355282). Invitae Evidence Modeling of protein sequence and biophysical properties (such as structural, functional, and spatial information, amino acid conservation, physicochemical variation, residue mobility, and thermodynamic stability) indicates that this missense variant is not expected to disrupt KCNQ1 protein function with a negative predictive value of 95%. In summary, the available evidence is currently insufficient to determine the role of this variant in disease. Therefore, it has been classified as a Variant of Uncertain Significance.

NM_000218.3(KCNQ1):c.1844A>G (p.Gln615Arg)

Genes: KCNQ1 (potassium voltage-gated channel subfamily Q member 1; plus strand), KCNQ1-AS1 (KCNQ1 antisense RNA 1; minus strand). Cytogenetic location: 11p15.4.
Variant type: single nucleotide variant.
Coding change: c.1844A>G on transcript NM_000218.3 (MANE Select); coding-DNA position 1844, A replaced by G.
Protein change: p.Gln615Arg; replaces glutamine 615 with arginine.
Molecular consequence: missense variant.
Genome position (GRCh38, 1-based): chr11:2,847,816, A>G. VCF-style: chr11-2847816-A-G. GRCh37 (hg19) VCF-style: chr11-2869046-A-G.
Other names: c.1748A>G, p.Gln583Arg (NM_001406836.1); c.1574A>G, p.Gln525Arg (NM_001406837.1); c.1304A>G, p.Gln435Arg (NM_001406838.1); c.356A>G, p.Gln119Arg (NM_001406839.1); c.1463A>G, p.Gln488Arg (NM_181798.2); short protein forms Q488R, Q615R, Q119R, Q435R, Q583R, Q525R.
Identifiers: ClinVar variation 1355282 (VCV001355282.7), dbSNP rs1848362662, ClinGen allele CA379140278.